The following is an entry in ClinVar:

NM_001184.4(ATR):c.293-20_293-19del

Gene: ATR (ATR checkpoint kinase; minus strand). Cytogenetic location: 3q23.
Variant type: Deletion.
Coding change: c.293-20_293-19del on transcript NM_001184.4 (MANE Select); 20 bases into the intron before coding-DNA position 293 through 19 bases into the intron before coding-DNA position 293, 2 bases deleted (CT; older notation c.293-20_293-19delCT).
Molecular consequence: intron variant.
Genome position (GRCh38, 1-based): chr3:142,563,128-142,563,129, AG deleted on the plus strand (CT on the coding strand, the reverse complement: ATR is on the minus strand); deleting any 2 consecutive bases within chr3:142,563,128-142,563,130 gives the same sequence; the c. name uses the placement nearest the transcript's 3' end. VCF-style (leftmost placement, unchanged base first): chr3-142563127-AAG-A. GRCh37 (hg19) VCF-style: chr3-142281969-AAG-A.
Other names: c.293-20_293-19del (NM_001354579.2).
Identifiers: ClinVar variation 3633100 (VCV003633100.2).

ClinVar aggregate classification (germline): Uncertain significance (1 of 4 stars; one submission).

Submission:

Labcorp Genetics (formerly Invitae), Labcorp
Classification: Uncertain significance. Last evaluated: 2024-03-14. Review status: criteria provided, single submitter. Criteria: Invitae Variant Classification Sherloc (09022015). Collection method: clinical testing. Allele origin: germline.
Comment: This sequence change falls in intron 3 of the ATR gene. It does not directly change the encoded amino acid sequence of the ATR protein. This variant is not present in population databases (gnomAD no frequency). This variant has not been reported in the literature in individuals affected with ATR-related conditions. Algorithms developed to predict the effect of sequence changes on RNA splicing suggest that this variant may disrupt the consensus splice site. In summary, the available evidence is currently insufficient to determine the role of this variant in disease. Therefore, it has been classified as a Variant of Uncertain Significance.